The following is an entry in ClinVar:

NM_000552.5(VWF):c.7982T>C (p.Leu2661Pro)

Gene: VWF (von Willebrand factor; minus strand). Cytogenetic location: 12p13.31.
Variant type: single nucleotide variant.
Coding change: c.7982T>C on transcript NM_000552.5 (MANE Select); coding-DNA position 7982, T replaced by C.
Protein change: p.Leu2661Pro; replaces leucine 2661 with proline.
Molecular consequence: missense variant.
Genome position (GRCh38, 1-based): chr12:5,953,500, A>G on the plus strand (T>C on the coding strand, the complement: VWF is on the minus strand). VCF-style: chr12-5953500-A-G. GRCh37 (hg19) VCF-style: chr12-6062666-A-G.
Other names: short protein forms L2661P.
Identifiers: ClinVar variation 4847426 (VCV004847426.1).

ClinVar aggregate classification (germline): Uncertain significance (1 of 4 stars; one submission).

Submission:

Women's Health and Genetics/Laboratory Corporation of America, LabCorp
Classification: Uncertain significance. Last evaluated: 2026-03-06. Review status: criteria provided, single submitter. Criteria: LabCorp Variant Classification Summary - May 2015. Collection method: clinical testing. Allele origin: germline.
Comment: Variant summary: VWF c.7982T>C (p.Leu2661Pro) results in a non-conservative amino acid change in the encoded protein sequence. Algorithms developed to predict the effect of missense changes on protein structure and function are either unavailable or do not agree on the potential impact of this missense change. The variant was absent in 251426 control chromosomes. The available data on variant occurrences in the general population are insufficient to allow any conclusion about variant significance. To our knowledge, no occurrence of c.7982T>C in individuals affected with VWF-related conditions and no experimental evidence demonstrating its impact on protein function have been reported. No submitters have cited clinical-significance assessments for this variant to ClinVar. Based on the evidence outlined above, the variant was classified as uncertain significance.